The following is an entry in ClinVar:

ClinVar aggregate classification (germline): Benign/Likely benign. Review status: criteria provided, multiple submitters, no conflicts (2 of 4 stars). 5 submissions from 5 submitters: Benign (2); Likely benign (1). 2 of the submissions do not count toward it. Last evaluated 2026-05-01.

Conditions:
Mucopolysaccharidosis, MPS-III-A (MPS3A). Also called: MUCOPOLYSACCHARIDOSIS, TYPE IIIA, ATTENUATED; Mucopolysaccharidosis, type IIIA; MPS III A; MPS IIIA (Sanfilippo Syndrome Type A); HEPARAN SULFATE SULFATASE DEFICIENCY; SANFILIPPO SYNDROME A. Identifiers: Orphanet 581, Orphanet 79269, MedGen C0086647, MONDO:0009655, OMIM 252900.
Mucopolysaccharidosis, MPS-II (MPS2). Also called: IDS deficiency; Sulfoiduronate sulfatase deficiency; SIDS deficiency; Attenuated MPS (subtype; formerly known as mild MPS II); Severe MPS II; I2S deficiency. Identifiers: Orphanet 580, Orphanet 79388, MedGen C0026705, MONDO:0010674, OMIM 309900.
IDS-related disorder. Also called: IDS-related condition.

Allele frequency attached by ClinVar (database versions not stated): TOPMed 0.00003; gnomAD 0.00006 and 0.00008; gnomAD exomes 0.00007 and 0.00010; ESP Exome Variant Server 0.00009; ExAC 0.00011; 1000 Genomes Project 30x 0.00021; 1000 Genomes Project 0.00026.
gnomAD v4.1: 83 of 1,208,143 alleles (0.0069%); highest among the groups gnomAD compares: Middle Eastern, 0.14%; no homozygotes.

Submissions (5):

CeGaT Center for Human Genetics Tuebingen
Classification: Likely benign. Last evaluated: 2026-05-01. Review status: criteria provided, single submitter. Criteria: CeGaT Center For Human Genetics Tuebingen Variant Classification Criteria Version 2. Collection method: clinical testing. Allele origin: germline. Affected: yes. Observed: 1 variant allele.
Comment: IDS: BS2

Labcorp Genetics (formerly Invitae), Labcorp
Classification: Benign for Mucopolysaccharidosis, MPS-II. Last evaluated: 2025-12-30. Review status: criteria provided, single submitter. Criteria: Invitae Variant Classification Sherloc (09022015). Collection method: clinical testing. Allele origin: germline.

Dubai Health Genomic Medicine Center, Dubai Health
Classification: Benign for Mucopolysaccharidosis, MPS-II. Last evaluated: 2020-03-19. Review status: criteria provided, single submitter. Criteria: ACMG Guidelines, 2015. Collection method: clinical testing. Allele origin: germline. Affected: yes.

PreventionGenetics, part of Exact Sciences
Classification: Likely benign for IDS-related condition. Last evaluated: 2022-12-08. Review status: no assertion criteria provided. Collection method: clinical testing. Allele origin: germline. Not counted in ClinVar's aggregate classification.
Comment: This variant is classified as likely benign based on ACMG/AMP sequence variant interpretation guidelines (Richards et al. 2015 PMID: 25741868, with internal and published modifications).

Natera, Inc.
Classification: Likely benign for Mucopolysaccharidosis type IIIA. Last evaluated: 2020-02-05. Review status: no assertion criteria provided. Collection method: clinical testing. Allele origin: germline. Not counted in ClinVar's aggregate classification.

NM_000202.8(IDS):c.937C>T (p.Arg313Cys)

Genes: IDS (iduronate 2-sulfatase; minus strand), LOC106050102 (IDS recombination region; plus strand). Cytogenetic location: Xq28.
Variant type: single nucleotide variant.
Coding change: c.937C>T on transcript NM_000202.8 (MANE Select); coding-DNA position 937, C replaced by T.
Protein change: p.Arg313Cys; replaces arginine 313 with cysteine.
Molecular consequence: missense variant. On other transcripts: non-coding transcript variant (1).
Genome position (GRCh38, 1-based): chrX:149,490,383, G>A on the plus strand (C>T on the coding strand, the complement: IDS is on the minus strand). VCF-style: chrX-149490383-G-A. GRCh37 (hg19) VCF-style: chrX-148571914-G-A.
Other names: c.667C>T, p.Arg223Cys (NM_001166550.4); c.937C>T, p.Arg313Cys (NM_006123.5); short protein forms R313C, R223C.
Identifiers: ClinVar variation 771625 (VCV000771625.18), dbSNP rs201048643, ClinGen allele CA10537546.